The following is an entry in ClinVar:

ClinVar aggregate classification (germline): Likely pathogenic (1 of 4 stars; one submission).

Submission:

Labcorp Genetics (formerly Invitae), Labcorp
Classification: Likely pathogenic. Last evaluated: 2022-09-28. Review status: criteria provided, single submitter. Criteria: Invitae Variant Classification Sherloc (09022015). Collection method: clinical testing. Allele origin: germline.
Comment: In summary, the currently available evidence indicates that the variant is pathogenic, but additional data are needed to prove that conclusively. Therefore, this variant has been classified as Likely Pathogenic. Algorithms developed to predict the effect of sequence changes on RNA splicing suggest that this variant may disrupt the consensus splice site. This variant has not been reported in the literature in individuals affected with UBE3B-related conditions. This variant is not present in population databases (gnomAD no frequency). This sequence change affects a donor splice site in intron 10 of the UBE3B gene. It is expected to disrupt RNA splicing. Variants that disrupt the donor or acceptor splice site typically lead to a loss of protein function (PMID: 16199547), and loss-of-function variants in UBE3B are known to be pathogenic (PMID: 23687348, 24615390).

Literature cited by the submitters: PubMed 16199547; PubMed 23687348; PubMed 24615390.

NM_130466.4(UBE3B):c.819+2T>G

Gene: UBE3B (ubiquitin protein ligase E3B; plus strand). Cytogenetic location: 12q24.11.
Variant type: single nucleotide variant.
Coding change: c.819+2T>G on transcript NM_130466.4 (MANE Select); the canonical splice donor site of the intron after coding-DNA position 819, T replaced by G.
Molecular consequence: splice donor variant.
Genome position (GRCh38, 1-based): chr12:109,497,925, T>G. VCF-style: chr12-109497925-T-G. GRCh37 (hg19) VCF-style: chr12-109935730-T-G.
Other names: c.819+2T>G (NM_183415.3).
Identifiers: ClinVar variation 2033200 (VCV002033200.4), dbSNP rs2548498375, ClinGen allele CA386633908.